The following is an entry in ClinVar:

NM_015419.4(MXRA5):c.4314T>C (p.Gly1438=)

Gene: MXRA5 (matrix remodeling associated 5; minus strand). Cytogenetic location: Xp22.33.
Variant type: single nucleotide variant.
Coding change: c.4314T>C on transcript NM_015419.4 (MANE Select); coding-DNA position 4314, T replaced by C.
Protein change: p.Gly1438=; no amino-acid change (glycine 1438 retained).
Molecular consequence: synonymous variant.
Genome position (GRCh38, 1-based): chrX:3,321,371, A>G on the plus strand (T>C on the coding strand, the complement: MXRA5 is on the minus strand). VCF-style: chrX-3321371-A-G. GRCh37 (hg19) VCF-style: chrX-3239412-A-G.
Identifiers: ClinVar variation 2659882 (VCV002659882.24), dbSNP rs200929555, ClinGen allele CA10339925.

ClinVar aggregate classification (germline): Likely benign (1 of 4 stars; one submission).

Allele frequency attached by ClinVar (database versions not stated): gnomAD exomes 0.00020; gnomAD 0.00025; TOPMed 0.00033; ExAC 0.00063; 1000 Genomes Project 30x 0.00104; 1000 Genomes Project 0.00106.
gnomAD v4.1: 249 of 1,210,140 alleles (0.021%); highest among the groups gnomAD compares: East Asian, 0.56%; 1 homozygote.

Submission:

CeGaT Center for Human Genetics Tuebingen
Classification: Likely benign. Last evaluated: 2023-01-01. Review status: criteria provided, single submitter. Criteria: CeGaT Center For Human Genetics Tuebingen Variant Classification Criteria Version 2. Collection method: clinical testing. Allele origin: germline. Affected: yes. Observed: 1 variant allele.
Comment: MXRA5: BP4, BP7, BS2